The following is an entry in ClinVar:

ClinVar aggregate classification (germline): Uncertain significance. Review status: criteria provided, multiple submitters, no conflicts (2 of 4 stars). 2 submissions from 2 submitters: Uncertain significance (2). Last evaluated 2025-05-05.

Conditions:
Hereditary cancer-predisposing syndrome. Also called: Tumor predisposition; Hereditary Cancer Syndrome; Hereditary neoplastic syndrome; Neoplastic Syndromes, Hereditary. Identifiers: Orphanet 140162, MedGen C0027672, MeSH D009386, MONDO:0015356.
POLD1-related polyposis and colorectal cancer syndrome (CRCS10). Also called: Colorectal cancer 10; COLORECTAL CANCER, SUSCEPTIBILITY TO, ON CHROMOSOME 19q; Colorectal cancer, susceptibility to, 10. Identifiers: Orphanet 220460, MedGen C2675481, MONDO:0012953, OMIM 612591.

gnomAD v4.1: 2 of 1,592,000 alleles (0.00013%); highest among the groups gnomAD compares: Non-Finnish European, 0.00017%; no homozygotes.

Submissions (2):

Ambry Genetics
Classification: Uncertain significance for Hereditary cancer-predisposing syndrome. Last evaluated: 2025-05-05. Review status: criteria provided, single submitter. Criteria: Ambry Variant Classification Scheme 2023. Collection method: clinical testing. Allele origin: germline.
Comment: The p.Q490* variant (also known as c.1468C>T), located in coding exon 11 of the POLD1 gene, results from a C to T substitution at nucleotide position 1468. This changes the amino acid from a glutamine to a stop codon within coding exon 11. This alteration is expected to result in loss of function by premature protein truncation or nonsense-mediated mRNA decay. However, loss of function of POLD1 has not been established as a mechanism of disease. Based on the available evidence, the clinical significance of this alteration remains unclear.

Labcorp Genetics (formerly Invitae), Labcorp
Classification: Uncertain significance for POLD1-related polyposis and colorectal cancer syndrome. Last evaluated: 2025-02-02. Review status: criteria provided, single submitter. Criteria: Invitae Variant Classification Sherloc (09022015). Collection method: clinical testing. Allele origin: germline.
Comment: This sequence change creates a premature translational stop signal (p.Gln490*) in the POLD1 gene. Missense variants that disrupt the 3'-5' exonuclease (proof-reading) activity of the POLD1 protein are associated with PPAP (polymerase proofreading–associated polyposis) (PMID: 23263490, 23447401). However, loss-of-function variants that result in an absent or severely disrupted POLD1 protein, and missense variants outside the exonuclease domain, are unlikely to be associated with PPAP. This variant is not present in population databases (gnomAD no frequency). This variant has not been reported in the literature in individuals affected with POLD1-related conditions. ClinVar contains an entry for this variant (Variation ID: 849668). In summary, the available evidence is currently insufficient to determine the role of this variant in disease. Therefore, it has been classified as a Variant of Uncertain Significance.

Literature cited by the submitters: PubMed 23263490 (cited by Labcorp Genetics (formerly Invitae), Labcorp); PubMed 23447401 (cited by Labcorp Genetics (formerly Invitae), Labcorp).

NM_002691.4(POLD1):c.1468C>T (p.Gln490Ter)

Gene: POLD1 (DNA polymerase delta 1, catalytic subunit; plus strand). Cytogenetic location: 19q13.33.
Variant type: single nucleotide variant.
Coding change: c.1468C>T on transcript NM_002691.4 (MANE Select); coding-DNA position 1468, C replaced by T.
Protein change: p.Gln490Ter; replaces glutamine 490 with a stop codon.
Molecular consequence: nonsense. On other transcripts: non-coding transcript variant (1).
Genome position (GRCh38, 1-based): chr19:50,406,491, C>T. VCF-style: chr19-50406491-C-T. GRCh37 (hg19) VCF-style: chr19-50909748-C-T.
Other names: c.1468C>T, p.Gln490Ter (NM_001256849.1, NM_001308632.1); c.1468C>T (NM_002691.2); short protein forms Q490*.
Identifiers: ClinVar variation 849668 (VCV000849668.8), dbSNP rs2038889148, ClinGen allele CA406980270.
Genomic context (GRCh38, chr19:50,406,491, plus strand): 5'-CGCTCCTACACGCTCAATGCCGTGAGCTTCCACTTCCTGGGCGAGCAGAAGGAGGACGTG[C>T]AGCACAGCATCATCACCGACCTGCAGGTGCCTGCTGCCTCCCTGACCTCTCACCCCAACC-3'